The following is an entry in ClinVar:

NM_001620.3(AHNAK):c.4714A>G (p.Met1572Val)

Gene: AHNAK (AHNAK nucleoprotein; minus strand). Cytogenetic location: 11q12.3.
Variant type: single nucleotide variant.
Coding change: c.4714A>G on transcript NM_001620.3 (MANE Select); coding-DNA position 4714, A replaced by G.
Protein change: p.Met1572Val; replaces methionine 1572 with valine.
Molecular consequence: missense variant. On other transcripts: intron variant (1).
Genome position (GRCh38, 1-based): chr11:62,529,703, T>C on the plus strand (A>G on the coding strand, the complement: AHNAK is on the minus strand). VCF-style: chr11-62529703-T-C. GRCh37 (hg19) VCF-style: chr11-62297175-T-C.
Other names: c.4714A>G, p.Met1572Val (NM_001346445.2, NM_001346446.2); c.342+5300A>G (NM_024060.4); short protein forms M1572V.
Identifiers: ClinVar variation 723922 (VCV000723922.11), dbSNP rs115693058, ClinGen allele CA6046081.
Genomic context (GRCh38, chr11:62,529,703, plus strand): 5'-TAGGGGCTTTCAAATTAAGTCCAACATCAGGCATAGAGATTTTGTGCGTCTGTATATTCA[T>C]GCTTGGCATCTTGAACTTAGGGCCTTTTAGTTTCCCCTCTGGAGCTTCAAGATTCACATC-3'
Protein context (NP_001611.1, residues 1562-1582): LKGPKFKMPS[Met1572Val]NIQTHKISMP

ClinVar aggregate classification (germline): Benign. Review status: criteria provided, multiple submitters, no conflicts (2 of 4 stars). 3 submissions from 3 submitters: Benign (3). Last evaluated 2025-03-01.

Allele frequency attached by ClinVar (database versions not stated): ESP Exome Variant Server 0.00092; 1000 Genomes Project 30x 0.00109; 1000 Genomes Project 0.00140; ExAC 0.00159; gnomAD 0.00167 and 0.00178; gnomAD exomes 0.00195; TOPMed 0.00241.

Submissions (3):

CeGaT Center for Human Genetics Tuebingen
Classification: Benign. Last evaluated: 2025-03-01. Review status: criteria provided, single submitter. Criteria: CeGaT Center For Human Genetics Tuebingen Variant Classification Criteria Version 2. Collection method: clinical testing. Allele origin: germline. Affected: yes. Observed: 1 variant allele.
Comment: AHNAK: BP4, BS1, BS2

Labcorp Genetics (formerly Invitae), Labcorp
Classification: Benign. Last evaluated: 2019-01-10. Review status: criteria provided, single submitter. Criteria: Invitae Variant Classification Sherloc (09022015). Collection method: clinical testing. Allele origin: germline.

Breakthrough Genomics
Classification: Benign. Review status: criteria provided, single submitter. Criteria: ACMG Guidelines, 2015. Collection method: not provided. Allele origin: germline. Inheritance: Unknown mechanism. Affected: yes.